The following is an entry in ClinVar:

NM_020937.4(FANCM):c.3404T>C (p.Leu1135Pro)

Gene: FANCM (FA complementation group M; plus strand). Cytogenetic location: 14q21.2.
Variant type: single nucleotide variant.
Coding change: c.3404T>C on transcript NM_020937.4 (MANE Select); coding-DNA position 3404, T replaced by C.
Protein change: p.Leu1135Pro; replaces leucine 1135 with proline.
Molecular consequence: missense variant.
Genome position (GRCh38, 1-based): chr14:45,176,158, T>C. VCF-style: chr14-45176158-T-C. GRCh37 (hg19) VCF-style: chr14-45645361-T-C.
Other names: c.3326T>C, p.Leu1109Pro (NM_001308133.2); short protein forms L1109P, L1135P.
Identifiers: ClinVar variation 4076551 (VCV004076551.1).

ClinVar aggregate classification (germline): Uncertain significance (1 of 4 stars; one submission).

gnomAD v4.1: 2 of 1,614,118 alleles (0.00012%); highest among the groups gnomAD compares: African/African-American, 0.0027%; no homozygotes.

Submission:

GeneDx
Classification: Uncertain significance. Last evaluated: 2025-02-25. Review status: criteria provided, single submitter. Criteria: GeneDx Variant Classification Process June 2021. Collection method: clinical testing. Allele origin: germline. Affected: yes.
Comment: Not observed at significant frequency in large population cohorts (gnomAD); In silico analysis indicates that this missense variant does not alter protein structure/function; Has not been previously published as pathogenic or benign to our knowledge